The following is an entry in ClinVar:

ClinVar aggregate classification (germline): Likely benign (1 of 4 stars; one submission).

Conditions:
TUB-related disorder. Also called: TUB-related condition.

gnomAD v4.1: 3 of 1,608,410 alleles (0.00019%); highest among the groups gnomAD compares: Admixed American, 0.0017%; no homozygotes.

Submission:

PreventionGenetics, part of Exact Sciences
Classification: Likely benign for TUB-related condition. Last evaluated: 2025-09-16. Review status: criteria provided, single submitter. Criteria: ACMG Guidelines, 2015. Collection method: clinical testing. Allele origin: germline.
Comment: This variant is classified as likely benign based on ACMG/AMP sequence variant interpretation guidelines (Richards et al. 2015 PMID: 25741868, with internal and published modifications).

NM_177972.3(TUB):c.397+7T>C

Genes: RIC3 (RIC3 acetylcholine receptor chaperone; minus strand), TUB (TUB bipartite transcription factor; plus strand). Cytogenetic location: 11p15.4.
Variant type: single nucleotide variant.
Coding change: c.397+7T>C on transcript NM_177972.3 (MANE Select); 7 bases into the intron after coding-DNA position 397, T replaced by C.
Molecular consequence: intron variant.
Genome position (GRCh38, 1-based): chr11:8,094,196, T>C. VCF-style: chr11-8094196-T-C. GRCh37 (hg19) VCF-style: chr11-8115743-T-C.
Other names: c.415+7T>C (NM_001440538.1, NM_001440539.1, NM_001440540.1 and 1 more transcripts); c.562+7T>C (NM_003320.5); c.397+7T>C (NM_001440541.1).
Identifiers: ClinVar variation 4983435 (VCV004983435.1).